The following is an entry in ClinVar:

ClinVar aggregate classification (germline): Uncertain significance. Review status: criteria provided, multiple submitters, no conflicts (2 of 4 stars). 3 submissions from 3 submitters: Uncertain significance (2). 1 of the submissions does not count toward it. Last evaluated 2023-02-20.

Conditions:
Retinal dystrophy. Also called: Inherited retinal dystrophy. Identifiers: Orphanet 71862, MedGen C0854723, MeSH D058499, MONDO:0019118, HP:0000556.

Allele frequency attached by ClinVar (database versions not stated): TOPMed 0.00005; gnomAD 0.00007; gnomAD exomes 0.00010; ESP Exome Variant Server 0.00015; ExAC 0.00016.
gnomAD v4.1: 91 of 1,613,286 alleles (0.0056%); highest among the groups gnomAD compares: Non-Finnish European, 0.0066%; no homozygotes.

Submissions (3):

Blueprint Genetics
Classification: Uncertain significance. Last evaluated: 2023-02-20. Review status: criteria provided, single submitter. Criteria: ACMG Guidelines, 2015. Collection method: clinical testing. Allele origin: germline.

Labcorp Genetics (formerly Invitae), Labcorp
Classification: Uncertain significance. Last evaluated: 2022-07-05. Review status: criteria provided, single submitter. Criteria: Invitae Variant Classification Sherloc (09022015). Collection method: clinical testing. Allele origin: germline.
Comment: This sequence change replaces proline, which is neutral and non-polar, with alanine, which is neutral and non-polar, at codon 123 of the SAMD11 protein (p.Pro123Ala). This variant is present in population databases (rs144490434, gnomAD 0.02%). This variant has not been reported in the literature in individuals affected with SAMD11-related conditions. ClinVar contains an entry for this variant (Variation ID: 962835). Algorithms developed to predict the effect of missense changes on protein structure and function are either unavailable or do not agree on the potential impact of this missense change (SIFT: "Deleterious"; PolyPhen-2: "Probably Damaging"; Align-GVGD: "Class C0"). In summary, the available evidence is currently insufficient to determine the role of this variant in disease. Therefore, it has been classified as a Variant of Uncertain Significance.

Institute of Human Genetics, Univ. Regensburg, Univ. Regensburg
Classification: Uncertain significance for Retinal dystrophy. Last evaluated: 2022-01-01. Review status: no assertion criteria provided. Criteria: ACMG Guidelines, 2015. Collection method: clinical testing. Allele origin: germline. Affected: yes. Not counted in ClinVar's aggregate classification.

NM_001385641.1(SAMD11):c.904C>G (p.Pro302Ala)

Gene: SAMD11 (sterile alpha motif domain containing 11; plus strand). Cytogenetic location: 1p36.33.
Variant type: single nucleotide variant.
Coding change: c.904C>G on transcript NM_001385641.1 (MANE Select); coding-DNA position 904, C replaced by G.
Protein change: p.Pro302Ala; replaces proline 302 with alanine.
Molecular consequence: missense variant.
Genome position (GRCh38, 1-based): chr1:935,833, C>G. VCF-style: chr1-935833-C-G. GRCh37 (hg19) VCF-style: chr1-871213-C-G.
Other names: c.904C>G, p.Pro302Ala (NM_001385640.1); c.367C>G, p.Pro123Ala (NM_152486.4); short protein forms P123A, P302A.
Identifiers: ClinVar variation 962835 (VCV000962835.9), dbSNP rs144490434, ClinGen allele CA502575.
Genomic context (GRCh38, chr1:935,833, plus strand): 5'-CAGGACGGCAACCTTCCCACCCTCATATCCAGCGTCCACCGCAGCCGCCACCTCGTTATG[C>G]CCGAGCATCAGAGCCGCTGTGAATTCCAGAGAGGCAGCCTGGAGATTGGCCTGCGACCCG-3'
Protein context (NP_001372570.1, residues 292-312): SVHRSRHLVM[Pro302Ala]EHQSRCEFQR